The following is an entry in ClinVar:

NM_005260.7(GDF9):c.1138C>T (p.Arg380Ter)

Gene: GDF9 (growth differentiation factor 9; minus strand). Cytogenetic location: 5q31.1.
Variant type: single nucleotide variant.
Coding change: c.1138C>T on transcript NM_005260.7 (MANE Select); coding-DNA position 1138, C replaced by T.
Protein change: p.Arg380Ter; replaces arginine 380 with a stop codon.
Molecular consequence: nonsense.
Genome position (GRCh38, 1-based): chr5:132,861,816, G>A on the plus strand (C>T on the coding strand, the complement: GDF9 is on the minus strand). VCF-style: chr5-132861816-G-A. GRCh37 (hg19) VCF-style: chr5-132197508-G-A.
Other names: c.874C>T, p.Arg292Ter (NM_001288824.4, NM_001288825.4, NM_001288826.3 and 2 more transcripts); short protein forms R292*, R380*.
Identifiers: ClinVar variation 5019906 (VCV005019906.2).

ClinVar aggregate classification (germline): Uncertain significance (1 of 4 stars; one submission).

Conditions:
Premature ovarian failure 14. Identifiers: MedGen C4693941, MONDO:0044777, OMIM 618014.

Submission:

Juno Genomics, Hangzhou Juno Genomics, Inc
Classification: Uncertain significance for Premature ovarian failure 14. Review status: criteria provided, single submitter. Criteria: ACMG Guidelines, 2015. Collection method: clinical testing. Allele origin: germline.
Comment: Absent from controls (or at extremely low frequency if recessive) in Genome Aggregation Database.;Null variant in a gene where loss of function (LOF) is a known mechanism of disease.